The following is an entry in ClinVar:

ClinVar aggregate classification (germline): Benign. Review status: criteria provided, single submitter (1 of 4 stars). 2 submissions from 2 submitters: Benign (1). 1 of the submissions does not count toward it. Last evaluated 2019-12-31.

Conditions:
ABCA5-related disorder. Also called: ABCA5-related condition.

Allele frequency attached by ClinVar (database versions not stated): gnomAD 0.00010 and 0.00045; TOPMed 0.00012; ESP Exome Variant Server 0.00015; gnomAD exomes 0.00072 and 0.00142; ExAC 0.00161; 1000 Genomes Project 0.00220; 1000 Genomes Project 30x 0.00234.
gnomAD v4.1: 1,120 of 1,609,288 alleles (0.07%); highest among the groups gnomAD compares: South Asian, 1.1%; 23 homozygotes.

Submissions (2):

Labcorp Genetics (formerly Invitae), Labcorp
Classification: Benign. Last evaluated: 2019-12-31. Review status: criteria provided, single submitter. Criteria: Invitae Variant Classification Sherloc (09022015). Collection method: clinical testing. Allele origin: germline.

PreventionGenetics, part of Exact Sciences
Classification: Benign for ABCA5-related condition. Last evaluated: 2019-07-02. Review status: no assertion criteria provided. Collection method: clinical testing. Allele origin: germline. Not counted in ClinVar's aggregate classification.
Comment: This variant is classified as benign based on ACMG/AMP sequence variant interpretation guidelines (Richards et al. 2015 PMID: 25741868, with internal and published modifications).

NM_172232.4(ABCA5):c.2655T>C (p.Ser885=)

Gene: ABCA5 (ATP binding cassette subfamily A member 5; minus strand). Cytogenetic location: 17q24.3.
Variant type: single nucleotide variant.
Coding change: c.2655T>C on transcript NM_172232.4 (MANE Select); coding-DNA position 2655, T replaced by C.
Protein change: p.Ser885=; no amino-acid change (serine 885 retained).
Molecular consequence: synonymous variant.
Genome position (GRCh38, 1-based): chr17:69,274,068, A>G on the plus strand (T>C on the coding strand, the complement: ABCA5 is on the minus strand). VCF-style: chr17-69274068-A-G. GRCh37 (hg19) VCF-style: chr17-67270209-A-G.
Other names: c.2655T>C, p.Ser885= (NM_018672.5).
Identifiers: ClinVar variation 726893 (VCV000726893.6), dbSNP rs137864439, ClinGen allele CA8737251.